The following is an entry in ClinVar:

NM_201525.4(ADGRG1):c.1505T>C (p.Phe502Ser)

Gene: ADGRG1 (adhesion G protein-coupled receptor G1; plus strand). Cytogenetic location: 16q21.
Variant type: single nucleotide variant.
Coding change: c.1505T>C on transcript NM_201525.4 (MANE Select); coding-DNA position 1505, T replaced by C.
Protein change: p.Phe502Ser; replaces phenylalanine 502 with serine.
Molecular consequence: missense variant.
Genome position (GRCh38, 1-based): chr16:57,659,631, T>C. VCF-style: chr16-57659631-T-C. GRCh37 (hg19) VCF-style: chr16-57693543-T-C.
Other names: c.1505T>C, p.Phe502Ser (NM_001145770.3, NM_001145772.3, NM_001145774.3 and 7 more transcripts); c.1523T>C, p.Phe508Ser (NM_001145771.3, NM_001370428.1, NM_001370429.1 and 4 more transcripts); c.1520T>C, p.Phe507Ser (NM_001145773.3, NM_001370433.1, NM_001370434.1); c.1013T>C, p.Phe338Ser (NM_001290142.2); c.998T>C, p.Phe333Ser (NM_001290143.2); c.980T>C, p.Phe327Ser (NM_001290144.2, NM_001370451.1, NM_001370453.1 and 1 more transcripts); c.1502T>C, p.Phe501Ser (NM_001370441.1); c.1349T>C, p.Phe450Ser (NM_001370442.1); short protein forms F338S, F508S, F327S, F333S, F502S, F507S, F501S, F450S.
Identifiers: ClinVar variation 2585034 (VCV002585034.1), dbSNP rs2545468624, ClinGen allele CA396050900.

ClinVar aggregate classification (germline): Uncertain significance (1 of 4 stars; one submission).

Conditions:
Bilateral frontoparietal polymicrogyria. Also called: CEREBELLAR ATAXIA WITH NEURONAL MIGRATION DEFECT; CORTICAL DYSPLASIA, COMPLEX, WITH OTHER BRAIN MALFORMATIONS 14A (BILATERAL FRONTOPARIETAL). Identifiers: Orphanet 101070, MedGen C1847352, MONDO:0011738, OMIM 606854.

Submission:

Neuberg Centre For Genomic Medicine, NCGM
Classification: Uncertain significance for Bilateral frontoparietal polymicrogyria. Review status: criteria provided, single submitter. Criteria: ACMG Guidelines, 2015. Collection method: clinical testing. Allele origin: germline. Inheritance: Autosomal recessive inheritance. Affected: yes.
Comment: The missense c.1505T>C (p.Phe502Ser) variant in ADGRG1 gene has not been reported previously as a pathogenic variant nor as a benign variant, to our knowledge. The p.Phe502Ser variant is novel (not in any individuals) in gnomAD Exomes and 1000 Genomes. The amino acid Phe at position 502 is changed to a Ser changing protein sequence and it might alter its composition and physico-chemical properties. The amino acid change p.Phe502Ser in ADGRG1 is predicted as conserved by GERP++ and PhyloP across 100 vertebrates. For these reasons, this variant has been classified as Uncertain significance.